The following is an entry in ClinVar:

NM_015450.3(POT1):c.1430G>C (p.Arg477Thr)

Gene: POT1 (protection of telomeres 1; minus strand). Cytogenetic location: 7q31.33.
Variant type: single nucleotide variant.
Coding change: c.1430G>C on transcript NM_015450.3 (MANE Select); coding-DNA position 1430, G replaced by C.
Protein change: p.Arg477Thr; replaces arginine 477 with threonine.
Molecular consequence: missense variant. On other transcripts: non-coding transcript variant (3).
Genome position (GRCh38, 1-based): chr7:124,835,354, C>G on the plus strand (G>C on the coding strand, the complement: POT1 is on the minus strand). VCF-style: chr7-124835354-C-G. GRCh37 (hg19) VCF-style: chr7-124475408-C-G.
Other names: c.1037G>C, p.Arg346Thr (NM_001042594.2); short protein forms R477T, R346T.
Identifiers: ClinVar variation 1923908 (VCV001923908.5), dbSNP rs2116444208, ClinGen allele CA369065753.

ClinVar aggregate classification (germline): Uncertain significance (1 of 4 stars; one submission).

Conditions:
Tumor predisposition syndrome 3 (TPDS3). Also called: Glioma susceptibility 9; LONG TELOMERE SYNDROME, POT1-RELATED; POT1 Tumor Predisposition; Melanoma, cutaneous malignant, susceptibility to, 10. Identifiers: Orphanet 618, MedGen C4014476, MONDO:0014368, OMIM 615848.

Submission:

Labcorp Genetics (formerly Invitae), Labcorp
Classification: Uncertain significance for Tumor predisposition syndrome 3. Last evaluated: 2022-01-26. Review status: criteria provided, single submitter. Criteria: Invitae Variant Classification Sherloc (09022015). Collection method: clinical testing. Allele origin: germline.
Comment: Algorithms developed to predict the effect of missense changes on protein structure and function output the following: SIFT: "Tolerated"; PolyPhen-2: "Benign"; Align-GVGD: "Class C0". The threonine amino acid residue is found in multiple mammalian species, which suggests that this missense change does not adversely affect protein function. This sequence change replaces arginine, which is basic and polar, with threonine, which is neutral and polar, at codon 477 of the POT1 protein (p.Arg477Thr). This variant is not present in population databases (gnomAD no frequency). This variant has not been reported in the literature in individuals affected with POT1-related conditions. Experimental studies have shown that this missense change affects POT1 function (PMID: 28393830). In summary, the available evidence is currently insufficient to determine the role of this variant in disease. Therefore, it has been classified as a Variant of Uncertain Significance.

Literature cited by the submitters: PubMed 28393830.